The following is an entry in ClinVar:

NM_005629.4(SLC6A8):c.525C>G (p.Thr175=)

Gene: SLC6A8 (solute carrier family 6 member 8; plus strand). Cytogenetic location: Xq28.
Variant type: single nucleotide variant.
Coding change: c.525C>G on transcript NM_005629.4 (MANE Select); coding-DNA position 525, C replaced by G.
Protein change: p.Thr175=; no amino-acid change (threonine 175 retained).
Molecular consequence: synonymous variant.
Genome position (GRCh38, 1-based): chrX:153,691,434, C>G. VCF-style: chrX-153691434-C-G. GRCh37 (hg19) VCF-style: chrX-152956889-C-G.
Other names: c.525C>G, p.Thr175= (NM_001142805.2); c.180C>G, p.Thr60= (NM_001142806.1).
Identifiers: ClinVar variation 4873862 (VCV004873862.2).

ClinVar aggregate classification (germline): Likely benign (1 of 4 stars; one submission).

Submission:

CeGaT Center for Human Genetics Tuebingen
Classification: Likely benign. Last evaluated: 2026-05-01. Review status: criteria provided, single submitter. Criteria: CeGaT Center For Human Genetics Tuebingen Variant Classification Criteria Version 2. Collection method: clinical testing. Allele origin: germline. Affected: yes. Observed: 1 variant allele.
Comment: SLC6A8: PM2:Supporting, BP4, BP7